The following is an entry in ClinVar:

NM_004333.6(BRAF):c.1177+1386G>A

Gene: BRAF (B-Raf proto-oncogene, serine/threonine kinase; minus strand). Cytogenetic location: 7q34.
Variant type: single nucleotide variant.
Coding change: c.1177+1386G>A on transcript NM_004333.6 (MANE Select); 1386 bases into the intron after coding-DNA position 1177, G replaced by A.
Molecular consequence: intron variant.
Genome position (GRCh38, 1-based): chr7:140,786,162, C>T on the plus strand (G>A on the coding strand, the complement: BRAF is on the minus strand). VCF-style: chr7-140786162-C-T. GRCh37 (hg19) VCF-style: chr7-140485962-C-T.
Other names: c.1177+1386G>A (NM_001378474.1, NM_001378468.1, NM_001354609.2 and 1 more transcripts); c.1075+1386G>A (NM_001378470.1); c.913+1386G>A (NM_001378475.1); c.1141-3079G>A (NM_001378471.1); c.1178-354G>A (NM_001374258.1, NM_001374244.1); c.1186+1386G>A (NM_001378467.1); c.1021+1386G>A (NM_001378472.1, NM_001378473.1).
Identifiers: ClinVar variation 2658040 (VCV002658040.24), dbSNP rs561938963, ClinGen allele CA168093553.

ClinVar aggregate classification (germline): Likely benign (1 of 4 stars; one submission).

Allele frequency attached by ClinVar (database versions not stated): gnomAD 0.00046; 1000 Genomes Project 30x 0.00062; TOPMed 0.00084; 1000 Genomes Project 0.00020.
gnomAD v4.1: 78 of 152,096 alleles (0.051%); highest among the groups gnomAD compares: Middle Eastern, 0.68%; 1 homozygote.

Submission:

CeGaT Center for Human Genetics Tuebingen
Classification: Likely benign. Last evaluated: 2026-07-01. Review status: criteria provided, single submitter. Criteria: CeGaT Center For Human Genetics Tuebingen Variant Classification Criteria Version 2. Collection method: clinical testing. Allele origin: germline. Affected: yes. Observed: 3 variant alleles.
Comment: BRAF: BS1